The following is an entry in ClinVar:

NM_006767.4(LZTR1):c.1253G>C (p.Arg418Thr)

Gene: LZTR1 (leucine zipper like post translational regulator 1; plus strand). Cytogenetic location: 22q11.21.
Variant type: single nucleotide variant.
Coding change: c.1253G>C on transcript NM_006767.4 (MANE Select); coding-DNA position 1253, G replaced by C.
Protein change: p.Arg418Thr; replaces arginine 418 with threonine.
Molecular consequence: missense variant.
Genome position (GRCh38, 1-based): chr22:20,992,897, G>C. VCF-style: chr22-20992897-G-C. GRCh37 (hg19) VCF-style: chr22-21347186-G-C.
Other names: short protein forms R418T.
Identifiers: ClinVar variation 1761295 (VCV001761295.3), dbSNP rs781430795, ClinGen allele CA410774137.

ClinVar aggregate classification (germline): Uncertain significance (1 of 4 stars; one submission).

Conditions:
Hereditary cancer-predisposing syndrome. Also called: Neoplastic Syndromes, Hereditary; Tumor predisposition; Hereditary Cancer Syndrome; Hereditary neoplastic syndrome. Identifiers: Orphanet 140162, MedGen C0027672, MeSH D009386, MONDO:0015356.
Cardiovascular phenotype. Identifiers: MedGen CN230736.

Submission:

Ambry Genetics
Classification: Uncertain significance for Cardiovascular phenotype; Hereditary cancer-predisposing syndrome. Last evaluated: 2025-10-20. Review status: criteria provided, single submitter. Criteria: Ambry Variant Classification Scheme 2023. Collection method: clinical testing. Allele origin: germline.
Comment: The p.R418T variant (also known as c.1253G>C), located in coding exon 11 of the LZTR1 gene, results from a G to C substitution at nucleotide position 1253. The arginine at codon 418 is replaced by threonine, an amino acid with similar properties. This amino acid position is highly conserved in available vertebrate species. In addition, the in silico prediction for this alteration is inconclusive. Based on the available evidence, the clinical significance of this variant remains unclear.